The following is an entry in ClinVar:

ClinVar aggregate classification (germline): Uncertain significance (1 of 4 stars; one submission).

Conditions:
Aicardi-Goutieres syndrome 5. Identifiers: Orphanet 51, MedGen C2749659, MONDO:0013059, OMIM 612952.

Allele frequency attached by ClinVar (database versions not stated): gnomAD exomes below 0.00001; gnomAD 0.00001.
gnomAD v4.1: 5 of 1,613,050 alleles (0.00031%); highest among the groups gnomAD compares: African/African-American, 0.0013%; no homozygotes.

Submission:

Labcorp Genetics (formerly Invitae), Labcorp
Classification: Uncertain significance for Aicardi-Goutieres syndrome 5. Last evaluated: 2022-01-04. Review status: criteria provided, single submitter. Criteria: Invitae Variant Classification Sherloc (09022015). Collection method: clinical testing. Allele origin: germline.
Comment: This sequence change replaces alanine, which is neutral and non-polar, with threonine, which is neutral and polar, at codon 441 of the SAMHD1 protein (p.Ala441Thr). This variant is not present in population databases (gnomAD no frequency). This variant has not been reported in the literature in individuals affected with SAMHD1-related conditions. Algorithms developed to predict the effect of missense changes on protein structure and function are either unavailable or do not agree on the potential impact of this missense change (SIFT: "Tolerated"; PolyPhen-2: "Probably Damaging"; Align-GVGD: "Class C0"). In summary, the available evidence is currently insufficient to determine the role of this variant in disease. Therefore, it has been classified as a Variant of Uncertain Significance.

NM_015474.4(SAMHD1):c.1321G>A (p.Ala441Thr)

Gene: SAMHD1 (SAM and HD domain containing deoxynucleoside triphosphate triphosphohydrolase 1; minus strand). Cytogenetic location: 20q11.23.
Variant type: single nucleotide variant.
Coding change: c.1321G>A on transcript NM_015474.4 (MANE Select); coding-DNA position 1321, G replaced by A.
Protein change: p.Ala441Thr; replaces alanine 441 with threonine.
Molecular consequence: missense variant.
Genome position (GRCh38, 1-based): chr20:36,905,453, C>T on the plus strand (G>A on the coding strand, the complement: SAMHD1 is on the minus strand). VCF-style: chr20-36905453-C-T. GRCh37 (hg19) VCF-style: chr20-35533856-C-T.
Other names: c.1321G>A, p.Ala441Thr (NM_001363729.2, NM_001363733.2); short protein forms A441T.
Identifiers: ClinVar variation 1500835 (VCV001500835.3), dbSNP rs1311797673, ClinGen allele CA408842370.